The following is an entry in ClinVar:

NM_138927.4(SON):c.5221G>C (p.Asp1741His)

Gene: SON (SON DNA and RNA binding protein; plus strand). Cytogenetic location: 21q22.11.
Variant type: single nucleotide variant.
Coding change: c.5221G>C on transcript NM_138927.4 (MANE Select); coding-DNA position 5221, G replaced by C.
Protein change: p.Asp1741His; replaces aspartic acid 1741 with histidine.
Molecular consequence: missense variant. On other transcripts: non-coding transcript variant (1), intron variant (1).
Genome position (GRCh38, 1-based): chr21:33,554,452, G>C. VCF-style: chr21-33554452-G-C. GRCh37 (hg19) VCF-style: chr21-34926758-G-C.
Other names: c.5221G>C, p.Asp1741His (NM_001291411.2, NM_032195.3); c.245-2704G>C (NM_001291412.3); short protein forms D1741H.
Identifiers: ClinVar variation 930395 (VCV000930395.3), dbSNP rs2085909010, ClinGen allele CA410164318.
Genomic context (GRCh38, chr21:33,554,452, plus strand): 5'-TTTTCTGCCAATATTGAGGATATTAATGAAGCAGATTTAGTGAGACCGTTACTTCCTAAG[G>C]ACATGGAACGTCTTACAAGCCTTAGAGCTGGCATTGAAGGACCTTTACTTGCAAGTGATG-3'
Protein context (NP_620305.3, residues 1731-1751): ADLVRPLLPK[Asp1741His]MERLTSLRAG

ClinVar aggregate classification (germline): Uncertain significance (1 of 4 stars; one submission).

Conditions:
ZTTK syndrome (ZTTKS). Also called: Zhu-Tokita-Takenouchi-Kim Syndrome; ZTTK MULTIPLE CONGENITAL ANOMALIES-MENTAL RETARDATION SYNDROME. Identifiers: Orphanet 500150, MedGen C4310696, MONDO:0014936, OMIM 617140.

Submission:

Centre for Mendelian Genomics, University Medical Centre Ljubljana
Classification: Uncertain significance for ZTTK syndrome. Last evaluated: 2019-02-15. Review status: criteria provided, single submitter. Criteria: ACMG Guidelines, 2015. Collection method: clinical testing. Allele origin: unknown. Affected: yes.
Comment: This variant was classified as: Uncertain significance. The available evidence on this variant's pathogenicity is insufficient or conflicting. The following ACMG criteria were applied in classifying this variant: PM2.